The following is an entry in ClinVar:

NM_002471.4(MYH6):c.3711G>A (p.Met1237Ile)

Gene: MYH6 (myosin heavy chain 6; minus strand). Cytogenetic location: 14q11.2.
Variant type: single nucleotide variant.
Coding change: c.3711G>A on transcript NM_002471.4 (MANE Select); coding-DNA position 3711, G replaced by A.
Protein change: p.Met1237Ile; replaces methionine 1237 with isoleucine.
Molecular consequence: missense variant.
Genome position (GRCh38, 1-based): chr14:23,390,078, C>T on the plus strand (G>A on the coding strand, the complement: MYH6 is on the minus strand). VCF-style: chr14-23390078-C-T. GRCh37 (hg19) VCF-style: chr14-23859287-C-T.
Other names: short protein forms M1237I.
Identifiers: ClinVar variation 1734203 (VCV001734203.4), dbSNP rs1891185449, ClinGen allele CA389005138.
Genomic context (GRCh38, chr14:23,390,078, plus strand): 5'-TGCAGGGGAGAGGGCGAGGGGAGGCCGAGCAGAGCCTGCCTTGGCCTTGATGATCTGCTC[C>T]ATGTTGGAGGTGACGTCATCCAGCTCCAGCTTGAACTCGCTCTTCTCCTTCTCCAGCTTC-3'
Protein context (NP_002462.2, residues 1227-1247): KLELDDVTSN[Met1237Ile]EQIIKAKANL

ClinVar aggregate classification (germline): Uncertain significance. Review status: criteria provided, multiple submitters, no conflicts (2 of 4 stars). 2 submissions from 2 submitters: Uncertain significance (2). Last evaluated 2024-04-25.

Conditions:
Hypertrophic cardiomyopathy 14. Identifiers: MedGen C2750467, MONDO:0013197, OMIM 613251.
Cardiovascular phenotype. Identifiers: MedGen CN230736.

Allele frequency attached by ClinVar (database versions not stated): TOPMed below 0.00001.

Submissions (2):

Labcorp Genetics (formerly Invitae), Labcorp
Classification: Uncertain significance for Hypertrophic cardiomyopathy 14. Last evaluated: 2024-04-25. Review status: criteria provided, single submitter. Criteria: Invitae Variant Classification Sherloc (09022015). Collection method: clinical testing. Allele origin: germline.
Comment: This sequence change replaces methionine, which is neutral and non-polar, with isoleucine, which is neutral and non-polar, at codon 1237 of the MYH6 protein (p.Met1237Ile). This variant is not present in population databases (gnomAD no frequency). This variant has not been reported in the literature in individuals affected with MYH6-related conditions. ClinVar contains an entry for this variant (Variation ID: 1734203). Advanced modeling of protein sequence and biophysical properties (such as structural, functional, and spatial information, amino acid conservation, physicochemical variation, residue mobility, and thermodynamic stability) performed at Invitae indicates that this missense variant is not expected to disrupt MYH6 protein function with a negative predictive value of 80%. In summary, the available evidence is currently insufficient to determine the role of this variant in disease. Therefore, it has been classified as a Variant of Uncertain Significance.

Ambry Genetics
Classification: Uncertain significance for Cardiovascular phenotype. Last evaluated: 2021-02-13. Review status: criteria provided, single submitter. Criteria: Ambry Variant Classification Scheme 2023. Collection method: clinical testing. Allele origin: germline.
Comment: The p.M1237I variant (also known as c.3711G>A), located in coding exon 24 of the MYH6 gene, results from a G to A substitution at nucleotide position 3711. The methionine at codon 1237 is replaced by isoleucine, an amino acid with highly similar properties. This amino acid position is highly conserved in available vertebrate species. In addition, the in silico prediction for this alteration is inconclusive. Since supporting evidence is limited at this time, the clinical significance of this alteration remains unclear.